The following is an entry in ClinVar:

NM_000443.4(ABCB4):c.3193C>G (p.Leu1065Val)

Gene: ABCB4 (ATP binding cassette subfamily B member 4; minus strand). Cytogenetic location: 7q21.12.
Variant type: single nucleotide variant.
Coding change: c.3193C>G on transcript NM_000443.4 (MANE Select); coding-DNA position 3193, C replaced by G.
Protein change: p.Leu1065Val; replaces leucine 1065 with valine.
Molecular consequence: missense variant.
Genome position (GRCh38, 1-based): chr7:87,408,123, G>C on the plus strand (C>G on the coding strand, the complement: ABCB4 is on the minus strand). VCF-style: chr7-87408123-G-C. GRCh37 (hg19) VCF-style: chr7-87037439-G-C.
Other names: c.3193C>G, p.Leu1065Val (NM_018849.3); c.3052C>G, p.Leu1018Val (NM_018850.3); short protein forms L1018V, L1065V.
Identifiers: ClinVar variation 2663955 (VCV002663955.2), dbSNP rs779141589, ClinGen allele CA4326836.

ClinVar aggregate classification (germline): Uncertain significance. Review status: criteria provided, multiple submitters, no conflicts (2 of 4 stars). 2 submissions from 2 submitters: Uncertain significance (2). Last evaluated 2026-04-14.

Conditions:
Progressive familial intrahepatic cholestasis type 3. Also called: Low Gamma-GT Familial Intrahepatic Cholestasis; MDR3 DEFICIENCY. Identifiers: Orphanet 79305, MedGen C1865643, MONDO:0011214, OMIM 602347.
Familial intrahepatic cholestasis. Identifiers: Orphanet 284385, MedGen CN296401, MONDO:0017290.

Allele frequency attached by ClinVar (database versions not stated): gnomAD exomes below 0.00001; ExAC 0.00001; TOPMed 0.00001.
gnomAD v4.1: 1 of 1,614,236 alleles (0.000062%); highest among the groups gnomAD compares: African/African-American, 0.0013%; no homozygotes.

Submissions (2):

Genomenon, Inc
Classification: Uncertain significance for Familial intrahepatic cholestasis. Last evaluated: 2026-04-14. Review status: criteria provided, single submitter. Criteria: Genomenon Sequence Variant Interpretation Standards - Updated. Collection method: curation. Allele origin: germline. Affected: no.
Comment: ABCB4 p.Leu1065Val (c.3193C>G) is a missense variant that changes the amino acid at residue 1065 from Leucine to Valine. This variant has been reported in the published literature (PMID:40980121). It is absent or not present at a significant frequency in gnomAD. In conclusion, we classify ABCB4 p.Leu1065Val (c.3193C>G) as a variant of uncertain significance.

Neuberg Centre For Genomic Medicine, NCGM
Classification: Uncertain significance for Progressive familial intrahepatic cholestasis type 3. Review status: criteria provided, single submitter. Criteria: ACMG Guidelines, 2015. Collection method: clinical testing. Allele origin: germline. Inheritance: Autosomal recessive inheritance. Affected: yes.

Literature cited by the submitters: PubMed 40980121 (cited by Genomenon, Inc).